The following is an entry in ClinVar:

ClinVar aggregate classification (germline): Likely benign. Review status: criteria provided, multiple submitters, no conflicts (2 of 4 stars). 2 submissions from 2 submitters: Likely benign (2). Last evaluated 2026-05-01.

Allele frequency attached by ClinVar (database versions not stated): gnomAD exomes 0.00001; TOPMed 0.00002; gnomAD 0.00003.
gnomAD v4.1: 14 of 1,610,770 alleles (0.00087%); highest among the groups gnomAD compares: African/African-American, 0.008%; 1 homozygote.

Submissions (2):

CeGaT Center for Human Genetics Tuebingen
Classification: Likely benign. Last evaluated: 2026-05-01. Review status: criteria provided, single submitter. Criteria: CeGaT Center For Human Genetics Tuebingen Variant Classification Criteria Version 2. Collection method: clinical testing. Allele origin: germline. Affected: yes. Observed: 1 variant allele.
Comment: SOX10: BS2

Labcorp Genetics (formerly Invitae), Labcorp
Classification: Likely benign. Last evaluated: 2026-01-19. Review status: criteria provided, single submitter. Criteria: Invitae Variant Classification Sherloc (09022015). Collection method: clinical testing. Allele origin: germline.

NM_006941.4(SOX10):c.949G>A (p.Gly317Ser)

Genes: POLR2F (RNA polymerase II, I and III subunit F; plus strand), SOX10 (SRY-box transcription factor 10; minus strand). Cytogenetic location: 22q13.1.
Variant type: single nucleotide variant.
Coding change: c.949G>A on transcript NM_006941.4 (MANE Select); coding-DNA position 949, G replaced by A.
Protein change: p.Gly317Ser; replaces glycine 317 with serine.
Molecular consequence: missense variant. On other transcripts: intron variant (3).
Genome position (GRCh38, 1-based): chr22:37,973,947, C>T on the plus strand (G>A on the coding strand, the complement: SOX10 is on the minus strand). VCF-style: chr22-37973947-C-T. GRCh37 (hg19) VCF-style: chr22-38369954-C-T.
Other names: c.*38+1637C>T (NM_001363825.1); c.293+6777C>T (NM_001301130.2, NM_001301131.2); short protein forms G317S.
Identifiers: ClinVar variation 2195342 (VCV002195342.5), dbSNP rs1316762696, ClinGen allele CA411492515.
Genomic context (GRCh38, chr22:37,973,947, plus strand): 5'-GCTTGGAGATCCAGGCGGAGTGTCCACTGGCCACGGCCAGGGCACTGCCCAGCCCATAGC[C>T]GGCTGCTGAGTAGCTGCTCACATGGCCTGGGTGCCCATTGGGCGGCAGGTACTGGTCCAA-3'
Protein context (NP_008872.1, residues 307-327): PGHVSSYSAA[Gly317Ser]YGLGSALAVA